The following is an entry in ClinVar:

ClinVar aggregate classification (germline): Conflicting classifications of pathogenicity. Review status: criteria provided, conflicting classifications (1 of 4 stars). 2 submissions from 2 submitters: Uncertain significance (1); Likely benign (1). Last evaluated 2024-05-31.

Allele frequency attached by ClinVar (database versions not stated): gnomAD 0.00003; TOPMed 0.00004; ExAC 0.00007.
gnomAD v4.1: 33 of 1,612,926 alleles (0.002%); highest among the groups gnomAD compares: East Asian, 0.025%; no homozygotes.

Submissions (2):

Blueprint Genetics
Classification: Likely benign. Last evaluated: 2024-05-31. Review status: criteria provided, single submitter. Criteria: ACMG Guidelines, 2015. Collection method: clinical testing. Allele origin: germline.

Labcorp Genetics (formerly Invitae), Labcorp
Classification: Uncertain significance. Last evaluated: 2021-08-27. Review status: criteria provided, single submitter. Criteria: Invitae Variant Classification Sherloc (09022015). Collection method: clinical testing. Allele origin: germline.
Comment: This sequence change replaces alanine with threonine at codon 597 of the TRAF3IP1 protein (p.Ala597Thr). The alanine residue is highly conserved and there is a small physicochemical difference between alanine and threonine. This variant is present in population databases (rs777730727, ExAC 0.06%). This variant has not been reported in the literature in individuals affected with TRAF3IP1-related conditions. Algorithms developed to predict the effect of missense changes on protein structure and function output the following: SIFT: "Tolerated"; PolyPhen-2: "Possibly Damaging"; Align-GVGD: "Class C0". The threonine amino acid residue is found in multiple mammalian species, which suggests that this missense change does not adversely affect protein function. In summary, the available evidence is currently insufficient to determine the role of this variant in disease. Therefore, it has been classified as a Variant of Uncertain Significance.

NM_015650.4(IFT54):c.1789G>A (p.Ala597Thr)

Gene: IFT54 (intraflagellar transport 54; plus strand). Cytogenetic location: 2q37.3.
Variant type: single nucleotide variant.
Coding change: c.1789G>A on transcript NM_015650.4 (MANE Select); coding-DNA position 1789, G replaced by A.
Protein change: p.Ala597Thr; replaces alanine 597 with threonine.
Molecular consequence: missense variant.
Genome position (GRCh38, 1-based): chr2:238,397,558, G>A. VCF-style: chr2-238397558-G-A. GRCh37 (hg19) VCF-style: chr2-239306199-G-A.
Other names: c.1591G>A, p.Ala531Thr (NM_001139490.1); short protein forms A531T, A597T.
Identifiers: ClinVar variation 1418527 (VCV001418527.6), dbSNP rs777730727, ClinGen allele CA2198579.